The following is an entry in ClinVar:

NM_001080414.4(CCDC88C):c.1703G>A (p.Arg568Gln)

Gene: CCDC88C (coiled-coil domain containing 88C; minus strand). Cytogenetic location: 14q32.11.
Variant type: single nucleotide variant.
Coding change: c.1703G>A on transcript NM_001080414.4 (MANE Select); coding-DNA position 1703, G replaced by A.
Protein change: p.Arg568Gln; replaces arginine 568 with glutamine.
Molecular consequence: missense variant.
Genome position (GRCh38, 1-based): chr14:91,314,113, C>T on the plus strand (G>A on the coding strand, the complement: CCDC88C is on the minus strand). VCF-style: chr14-91314113-C-T. GRCh37 (hg19) VCF-style: chr14-91780457-C-T.
Other names: c.1703G>A (NM_001080414.3); short protein forms R568Q.
Identifiers: ClinVar variation 2179606 (VCV002179606.2), dbSNP rs772843353, ClinGen allele CA7309835.
Genomic context (GRCh38, chr14:91,314,113, plus strand): 5'-ACGTCTTTCATGCGGGCCTCACTGCTGACCTGCGACCTCTCCCGCAGCGACCACATGGCT[C>T]GGTTGAGGTGGTCCTTTTCCTGCTCAAGGTCCTTGATCTACGGGAAAACACAACAGGCAC-3'
Protein context (NP_001073883.2, residues 558-578): DLEQEKDHLN[Arg568Gln]AMWSLRERSQ

ClinVar aggregate classification (germline): Conflicting classifications of pathogenicity. Review status: criteria provided, conflicting classifications (1 of 4 stars). 2 submissions from 2 submitters: Uncertain significance (1); Likely benign (1). Last evaluated 2024-08-04.

Conditions:
Inborn genetic diseases. Identifiers: MedGen C0950123, MeSH D030342.

Allele frequency attached by ClinVar (database versions not stated): ExAC 0.00004; gnomAD 0.00009; TOPMed 0.00011.
gnomAD v4.1: 100 of 1,613,196 alleles (0.0062%); highest among the groups gnomAD compares: African/African-American, 0.011%; no homozygotes.

Submissions (2):

Ambry Genetics
Classification: Likely benign for Inborn genetic diseases. Last evaluated: 2024-08-04. Review status: criteria provided, single submitter. Criteria: Ambry Variant Classification Scheme 2023. Collection method: clinical testing. Allele origin: germline.

Labcorp Genetics (formerly Invitae), Labcorp
Classification: Uncertain significance. Last evaluated: 2022-08-07. Review status: criteria provided, single submitter. Criteria: Invitae Variant Classification Sherloc (09022015). Collection method: clinical testing. Allele origin: germline.
Comment: This sequence change replaces arginine, which is basic and polar, with glutamine, which is neutral and polar, at codon 568 of the CCDC88C protein (p.Arg568Gln). This variant is present in population databases (rs772843353, gnomAD 0.006%). This variant has not been reported in the literature in individuals affected with CCDC88C-related conditions. Algorithms developed to predict the effect of missense changes on protein structure and function output the following: SIFT: "Tolerated"; PolyPhen-2: "Benign"; Align-GVGD: "Class C0". The glutamine amino acid residue is found in multiple mammalian species, which suggests that this missense change does not adversely affect protein function. In summary, the available evidence is currently insufficient to determine the role of this variant in disease. Therefore, it has been classified as a Variant of Uncertain Significance.